The following is an entry in ClinVar:

NM_001999.4(FBN2):c.2626G>T (p.Glu876Ter)

Gene: FBN2 (fibrillin 2; minus strand). Cytogenetic location: 5q23.3.
Variant type: single nucleotide variant.
Coding change: c.2626G>T on transcript NM_001999.4 (MANE Select); coding-DNA position 2626, G replaced by T.
Protein change: p.Glu876Ter; replaces glutamic acid 876 with a stop codon.
Molecular consequence: nonsense.
Genome position (GRCh38, 1-based): chr5:128,357,324, C>A on the plus strand (G>T on the coding strand, the complement: FBN2 is on the minus strand). VCF-style: chr5-128357324-C-A. GRCh37 (hg19) VCF-style: chr5-127693016-C-A.
Other names: short protein forms E876*.
Identifiers: ClinVar variation 3647665 (VCV003647665.2).

ClinVar aggregate classification (germline): Uncertain significance (1 of 4 stars; one submission).

Conditions:
Congenital contractural arachnodactyly (CCA). Also called: BEALS SYNDROME; Arthrogryposis, distal, type 9; Beals-Hecht syndrome. Identifiers: Orphanet 115, MedGen C0220668, MONDO:0007363, OMIM 121050.

Submission:

Labcorp Genetics (formerly Invitae), Labcorp
Classification: Uncertain significance for Congenital contractural arachnodactyly. Last evaluated: 2024-03-26. Review status: criteria provided, single submitter. Criteria: Invitae Variant Classification Sherloc (09022015). Collection method: clinical testing. Allele origin: germline.
Comment: This sequence change creates a premature translational stop signal (p.Glu876*) in the FBN2 gene. It is expected to result in an absent or disrupted protein product. However, the current clinical and genetic evidence is not sufficient to establish whether loss-of-function variants in FBN2 cause disease. This variant is not present in population databases (gnomAD no frequency). This variant has not been reported in the literature in individuals affected with FBN2-related conditions. In summary, the available evidence is currently insufficient to determine the role of this variant in disease. Therefore, it has been classified as a Variant of Uncertain Significance.